The following is an entry in ClinVar:

ClinVar aggregate classification (germline): Likely benign (1 of 4 stars; one submission).

Conditions:
Retinitis pigmentosa (RP). Identifiers: Orphanet 791, MedGen C0035334, MeSH D012174, MONDO:0019200, OMIM 268000. Inheritance: Autosomal dominant, autosomal recessive and X linked inheritance.

Allele frequency attached by ClinVar (database versions not stated): gnomAD 0.00597 and 0.00638; TOPMed 0.00668; 1000 Genomes Project 0.00839; 1000 Genomes Project 30x 0.00953.

Submission:

Illumina Laboratory Services, Illumina
Classification: Likely benign for Retinitis pigmentosa. Last evaluated: 2018-01-13. Review status: criteria provided, single submitter. Criteria: ICSL Variant Classification Criteria 13 December 2019. Collection method: clinical testing. Allele origin: germline.
Comment: This variant was observed in the ICSL laboratory as part of a predisposition screen in an ostensibly healthy population. It had not been previously curated by ICSL or reported in the Human Gene Mutation Database (HGMD: prior to June 1st, 2018), and was therefore a candidate for classification through an automated scoring system. Utilizing variant allele frequency, disease prevalence and penetrance estimates, and inheritance mode, an automated score was calculated to assess if this variant is too frequent to cause the disease. Based on the score and internal cut-off values, a variant classified as likely benign is not then subjected to further curation. The score for this variant resulted in a classification of likely benign for this disease.

NM_016247.4(IMPG2):c.*2869C>T

Gene: IMPG2 (interphotoreceptor matrix proteoglycan 2; minus strand). Cytogenetic location: 3q12.3.
Variant type: single nucleotide variant.
Coding change: c.*2869C>T on transcript NM_016247.4 (MANE Select); 2869 bases downstream of the stop codon, C replaced by T.
Molecular consequence: 3 prime UTR variant.
Genome position (GRCh38, 1-based): chr3:101,224,100, G>A on the plus strand (C>T on the coding strand, the complement: IMPG2 is on the minus strand). VCF-style: chr3-101224100-G-A. GRCh37 (hg19) VCF-style: chr3-100942944-G-A.
Identifiers: ClinVar variation 901247 (VCV000901247.4), dbSNP rs184922362, ClinGen allele CA79704807.
Genomic context (GRCh38, chr3:101,224,100, plus strand): 5'-GAAGCTGAAGCACGAGAATCGCTTGAACCCAGGAGGCAGAGGTTGCCAGGAGCTGAGATC[G>A]CCCCATTGCACTCCAGCCTGGGTGACAGAGCGAGACTCCATCTCAAATAATAATAGTGAT-3'